The following is an entry in ClinVar:

ClinVar aggregate classification (germline): Likely benign (1 of 4 stars; one submission).

Allele frequency attached by ClinVar (database versions not stated): ExAC below 0.00001; gnomAD exomes below 0.00001; gnomAD 0.00001.
gnomAD v4.1: 3 of 1,546,720 alleles (0.00019%); highest among the groups gnomAD compares: African/African-American, 0.0027%; no homozygotes.

Submission:

GeneDx
Classification: Likely benign. Last evaluated: 2017-02-06. Review status: criteria provided, single submitter. Criteria: GeneDx Variant Classification (06012015). Collection method: clinical testing. Allele origin: germline. Affected: yes.
Comment: This variant is considered likely benign or benign based on one or more of the following criteria: it is a conservative change, it occurs at a poorly conserved position in the protein, it is predicted to be benign by multiple in silico algorithms, and/or has population frequency not consistent with disease.

NM_000501.4(ELN):c.1914G>A (p.Gln638=)

Gene: ELN (elastin; plus strand). Cytogenetic location: 7q11.23.
Variant type: single nucleotide variant.
Coding change: c.1914G>A on transcript NM_000501.4 (MANE Select); coding-DNA position 1914, G replaced by A.
Protein change: p.Gln638=; no amino-acid change (glutamine 638 retained).
Molecular consequence: synonymous variant.
Genome position (GRCh38, 1-based): chr7:74,063,365, G>A. VCF-style: chr7-74063365-G-A. GRCh37 (hg19) VCF-style: chr7-73477695-G-A.
Other names: c.1827G>A, p.Gln609= (NM_001081752.3); c.1872G>A, p.Gln624= (NM_001081753.3); c.1929G>A, p.Gln643= (NM_001081754.3); c.1857G>A, p.Gln619= (NM_001081755.3); c.1914G>A, p.Gln638= (NM_001278912.2); c.1671G>A, p.Gln557= (NM_001278913.2); c.1842G>A, p.Gln614= (NM_001278914.2); c.1932G>A, p.Gln644= (NM_001278915.2); and 4 more.
Identifiers: ClinVar variation 516591 (VCV000516591.1), dbSNP rs782650847, ClinGen allele CA4293283.
Genomic context (GRCh38, chr7:74,063,365, plus strand): 5'-CCCAGGAGCCGGACCCGCCGCCGCCGCTGCCGCAGCCAAAGCTGCTGCCAAAGCCGCCCA[G>A]TTTGGTGAGCACTGGGTGGAGGTGGGAGCTGCCGCCAGGCCCCCAGGCCCCCAGGGTGTG-3'
Protein context (NP_000492.2, residues 628-648): AAAKAAAKAA[Gln638=]FGLVGAAGLG